The following is an entry in ClinVar:

NM_182746.3(MCM4):c.989G>A (p.Arg330His)

Gene: MCM4 (minichromosome maintenance complex component 4; plus strand). Cytogenetic location: 8q11.21.
Variant type: single nucleotide variant.
Coding change: c.989G>A on transcript NM_182746.3 (MANE Select); coding-DNA position 989, G replaced by A.
Protein change: p.Arg330His; replaces arginine 330 with histidine.
Molecular consequence: missense variant.
Genome position (GRCh38, 1-based): chr8:47,966,343, G>A. VCF-style: chr8-47966343-G-A. GRCh37 (hg19) VCF-style: chr8-48878903-G-A.
Other names: c.989G>A, p.Arg330His (NM_005914.4); short protein forms R330H.
Identifiers: ClinVar variation 1500226 (VCV001500226.4), dbSNP rs773546367, ClinGen allele CA4742484.

ClinVar aggregate classification (germline): Uncertain significance (1 of 4 stars; one submission).

Allele frequency attached by ClinVar (database versions not stated): gnomAD 0.00001; gnomAD exomes 0.00001; TOPMed 0.00001; ExAC 0.00002.

Submission:

Labcorp Genetics (formerly Invitae), Labcorp
Classification: Uncertain significance. Last evaluated: 2022-08-23. Review status: criteria provided, single submitter. Criteria: Invitae Variant Classification Sherloc (09022015). Collection method: clinical testing. Allele origin: germline.
Comment: This sequence change replaces arginine, which is basic and polar, with histidine, which is basic and polar, at codon 330 of the MCM4 protein (p.Arg330His). This variant is present in population databases (rs773546367, gnomAD 0.008%). This variant has not been reported in the literature in individuals affected with MCM4-related conditions. ClinVar contains an entry for this variant (Variation ID: 1500226). Algorithms developed to predict the effect of missense changes on protein structure and function output the following: SIFT: "Tolerated"; PolyPhen-2: "Benign"; Align-GVGD: "Class C0". The histidine amino acid residue is found in multiple mammalian species, which suggests that this missense change does not adversely affect protein function. In summary, the available evidence is currently insufficient to determine the role of this variant in disease. Therefore, it has been classified as a Variant of Uncertain Significance.